The following is an entry in ClinVar:

ClinVar aggregate classification (germline): Uncertain significance (1 of 4 stars; one submission).

Submission:

Labcorp Genetics (formerly Invitae), Labcorp
Classification: Uncertain significance. Last evaluated: 2023-04-15. Review status: criteria provided, single submitter. Criteria: Invitae Variant Classification Sherloc (09022015). Collection method: clinical testing. Allele origin: germline.
Comment: This variant is not present in population databases (gnomAD no frequency). This variant has not been reported in the literature in individuals affected with KAT6A-related conditions. Advanced modeling of protein sequence and biophysical properties (such as structural, functional, and spatial information, amino acid conservation, physicochemical variation, residue mobility, and thermodynamic stability) performed at Invitae indicates that this missense variant is not expected to disrupt KAT6A protein function. In summary, the available evidence is currently insufficient to determine the role of this variant in disease. Therefore, it has been classified as a Variant of Uncertain Significance. This sequence change replaces aspartic acid, which is acidic and polar, with glycine, which is neutral and non-polar, at codon 1365 of the KAT6A protein (p.Asp1365Gly).

NM_006766.5(KAT6A):c.4094A>G (p.Asp1365Gly)

Gene: KAT6A (lysine acetyltransferase 6A; minus strand). Cytogenetic location: 8p11.21.
Variant type: single nucleotide variant.
Coding change: c.4094A>G on transcript NM_006766.5 (MANE Select); coding-DNA position 4094, A replaced by G.
Protein change: p.Asp1365Gly; replaces aspartic acid 1365 with glycine.
Molecular consequence: missense variant.
Genome position (GRCh38, 1-based): chr8:41,934,126, T>C on the plus strand (A>G on the coding strand, the complement: KAT6A is on the minus strand). VCF-style: chr8-41934126-T-C. GRCh37 (hg19) VCF-style: chr8-41791644-T-C.
Other names: short protein forms D1365G.
Identifiers: ClinVar variation 3005043 (VCV003005043.3), dbSNP rs2486756190, ClinGen allele CA371067043.